The following is an entry in ClinVar:

NM_005144.5(HR):c.3512A>T (p.Asp1171Val)

Gene: HR (HR lysine demethylase and nuclear receptor corepressor; minus strand). Cytogenetic location: 8p21.3.
Variant type: single nucleotide variant.
Coding change: c.3512A>T on transcript NM_005144.5 (MANE Select); coding-DNA position 3512, A replaced by T.
Protein change: p.Asp1171Val; replaces aspartic acid 1171 with valine.
Molecular consequence: missense variant.
Genome position (GRCh38, 1-based): chr8:22,115,758, T>A on the plus strand (A>T on the coding strand, the complement: HR is on the minus strand). VCF-style: chr8-22115758-T-A. GRCh37 (hg19) VCF-style: chr8-21973271-T-A.
Other names: c.3347A>T, p.Asp1116Val (NM_018411.4); short protein forms D1116V, D1171V.
Identifiers: ClinVar variation 4073583 (VCV004073583.1).

ClinVar aggregate classification (germline): Uncertain significance (1 of 4 stars; one submission).

Conditions:
Atrichia with papular lesions (APL). Also called: PAPULAR ATRICHIA. Identifiers: Orphanet 86819, MedGen C1859592, MONDO:0008847, OMIM 209500.

gnomAD v4.1: 1 of 1,613,750 alleles (0.000062%); highest among the groups gnomAD compares: Non-Finnish European, 0.000085%; no homozygotes.

Submission:

Department of Pediatric Genetics, University of Health Sciences, Ankara Bilkent City Children’s Hospital
Classification: Uncertain significance for Atrichia with papular lesions. Last evaluated: 2024-12-01. Review status: criteria provided, single submitter. Criteria: ACMG Guidelines, 2015. Collection method: clinical testing. Allele origin: biparental. Affected: yes.
Comment: The c.3512A>T (p.Asp1171Val) variant in the HR gene (NM_005144.5) is a missense variant located in exon 19 and has not been previously reported in ClinVar. The allele frequency of this variant is not reported and it is absent from population databases such as gnomAD (PM2). The patient's clinical features are highly specific and strongly correlated with the gene in question, for which a single genetic etiology is well-established. Therefore, PP4 was considered applicable. PM3 was applied based on the identification of the variant in a homozygous state in a patient with a clinically consistent autosomal recessive disorder. In summary, this variant meets the criteria to be classified as of uncertain significance for Atrichia with papular lesions (#209500), based on the ACMG guidelines (Richards et al., 2015), with supporting evidence from criteria PM2, PM3, and PP4.